The following is an entry in ClinVar:

NM_001017975.6(HFM1):c.2T>C (p.Met1Thr)

Gene: HFM1 (helicase for meiosis 1; minus strand). Cytogenetic location: 1p22.2.
Variant type: single nucleotide variant.
Coding change: c.2T>C on transcript NM_001017975.6 (MANE Select); coding-DNA position 2, T replaced by C.
Protein change: p.Met1Thr; changes the start codon (methionine 1).
Molecular consequence: missense variant, initiator codon variant. On other transcripts: non-coding transcript variant (1).
Genome position (GRCh38, 1-based): chr1:91,401,081, A>G on the plus strand (T>C on the coding strand, the complement: HFM1 is on the minus strand). VCF-style: chr1-91401081-A-G. GRCh37 (hg19) VCF-style: chr1-91866638-A-G.
Other names: short protein forms M1T.
Identifiers: ClinVar variation 2627515 (VCV002627515.1), dbSNP rs754924716, ClinGen allele CA946605.

ClinVar aggregate classification (germline): Likely pathogenic (1 of 4 stars; one submission).

Conditions:
Premature ovarian failure 9 (POF9). Identifiers: MedGen C3810376, MONDO:0014322, OMIM 615724.

Allele frequency attached by ClinVar (database versions not stated): ExAC 0.00003; gnomAD 0.00004; TOPMed 0.00020.

Submission:

Neuberg Centre For Genomic Medicine, NCGM
Classification: Likely pathogenic for Premature ovarian failure 9. Review status: criteria provided, single submitter. Criteria: ACMG Guidelines, 2015. Collection method: clinical testing. Allele origin: germline. Inheritance: Autosomal recessive inheritance. Affected: yes.
Comment: The initiator codon variant p.M1T in HFM1 (NM_001017975.6) has not been reported previously as a pathogenic variant nor as a benign variant, to our knowledge. The p.M1T variant is observed in 11/98,470 (0.0112%) alleles from individuals of European (Non-Finnish) background in gnomAD Exomes and is novel (not in any individuals) in 1000 Genomes. For these reasons, this variant has been classified as Likely Pathogenic. In the absence of a second reportable mutation, the molecular diagnosis is not confirmed.